The following is an entry in ClinVar:

ClinVar aggregate classification (germline): Uncertain significance (1 of 4 stars; one submission).

Conditions:
Hereditary cancer-predisposing syndrome. Also called: Tumor predisposition; Hereditary Cancer Syndrome; Neoplastic Syndromes, Hereditary; Hereditary neoplastic syndrome. Identifiers: Orphanet 140162, MedGen C0027672, MeSH D009386, MONDO:0015356.

Submission:

Ambry Genetics
Classification: Uncertain significance for Hereditary cancer-predisposing syndrome. Last evaluated: 2018-04-17. Review status: criteria provided, single submitter. Criteria: Ambry Variant Classification Scheme 2023. Collection method: clinical testing. Allele origin: germline.
Comment: The p.R302G variant (also known as c.904A>G), located in coding exon 4 of the MSH6 gene, results from an A to G substitution at nucleotide position 904. The arginine at codon 302 is replaced by glycine, an amino acid with dissimilar properties. This amino acid position is not well conserved in available vertebrate species. In addition, the in silico prediction for this alteration is inconclusive. In addition, the CoDP in silico tool predicts this alteration to have minor impact on molecular function, with a score of 0.011 (Terui H et al. J. Biomed. Sci. 2013 Apr;20:25). Since supporting evidence is limited at this time, the clinical significance of this alteration remains unclear.

NM_000179.3(MSH6):c.904A>G (p.Arg302Gly)

Gene: MSH6 (mutS homolog 6; plus strand). Cytogenetic location: 2p16.3.
Variant type: single nucleotide variant.
Coding change: c.904A>G on transcript NM_000179.3 (MANE Select); coding-DNA position 904, A replaced by G.
Protein change: p.Arg302Gly; replaces arginine 302 with glycine.
Molecular consequence: missense variant. On other transcripts: 5 prime UTR variant (2).
Genome position (GRCh38, 1-based): chr2:47,798,887, A>G. VCF-style: chr2-47798887-A-G. GRCh37 (hg19) VCF-style: chr2-48026026-A-G.
Other names: c.514A>G, p.Arg172Gly (NM_001281492.2); c.-3A>G (NM_001281493.2, NM_001281494.2); short protein forms R172G, R302G.
Identifiers: ClinVar variation 822941 (VCV000822941.4), dbSNP rs1572720807, ClinGen allele CA346740708.